The following is an entry in ClinVar:

ClinVar aggregate classification (germline): Pathogenic. Review status: criteria provided, single submitter (1 of 4 stars). 2 submissions from 1 submitter: Pathogenic (2). Last evaluated 2023-10-14.

Conditions:
X-linked agammaglobulinemia with growth hormone deficiency (IGHD3). Also called: AGAMMAGLOBULINEMIA AND ISOLATED GROWTH HORMONE DEFICIENCY, X-LINKED; FLEISHER SYNDROME; HYPOGAMMAGLOBULINEMIA AND ISOLATED GROWTH HORMONE DEFICIENCY, X-LINKED; IGHD III; Isolated growth hormone deficiency type 3; Growth hormone deficiency with hypogammaglobulinemia. Identifiers: Orphanet 231692, Orphanet 631, MedGen C0472813, MONDO:0010615, OMIM 307200.
Fabry disease. Also called: Fabry's disease; ALPHA-GALACTOSIDASE A DEFICIENCY; ANDERSON-FABRY DISEASE; CERAMIDE TRIHEXOSIDASE DEFICIENCY; GLA DEFICIENCY; HEREDITARY DYSTOPIC LIPIDOSIS. Identifiers: Orphanet 324, MedGen C0002986, MONDO:0010526, OMIM 301500, HP:0001071. Disease mechanism: Fabry disease is due to inactivating mutations in the X-linked GLA gene resulting in deficiency of the enzyme Alpha Galactosidase-A., loss of function.

Submissions (2):

Labcorp Genetics (formerly Invitae), Labcorp
Classification: Pathogenic for Fabry disease. Last evaluated: 2023-10-14. Review status: criteria provided, single submitter. Criteria: Invitae Variant Classification Sherloc (09022015). Collection method: clinical testing. Allele origin: unknown.
Comment: A gross deletion of the genomic region encompassing the full coding sequence of the GLA gene has been identified. Loss-of-function variants in GLA are known to be pathogenic (PMID: 10666480, 12175777). The boundaries of this event are unknown as they extend beyond the assayed region for this gene and therefore may encompass additional genes. This variant has not been reported in the literature in individuals affected with GLA-related conditions. For these reasons, this variant has been classified as Pathogenic.

Labcorp Genetics (formerly Invitae), Labcorp
Classification: Pathogenic for X-linked agammaglobulinemia with growth hormone deficiency. Last evaluated: 2023-10-14. Review status: criteria provided, single submitter. Criteria: Invitae Variant Classification Sherloc (09022015). Collection method: clinical testing. Allele origin: unknown.
Comment: A gross deletion of the genomic region encompassing the full coding sequence of the BTK gene has been identified. Loss-of-function variants in BTK are known to be pathogenic (PMID: 15661032, 16862044, 19419768). The boundaries of this event are unknown as they extend beyond the assayed region for this gene and therefore may encompass additional genes. A similar copy number variant has been observed in individual(s) with BTK-related conditions (PMID: 31795557). For these reasons, this variant has been classified as Pathogenic.

Literature cited by the submitters: PubMed 10666480; PubMed 12175777; PubMed 15661032; PubMed 16862044; PubMed 19419768; PubMed 31795557.

NC_000023.10:g.(?_100604873)_(100667593_?)del

Genes: BTK (Bruton tyrosine kinase; minus strand), GLA (galactosidase alpha; minus strand), HNRNPH2 (heterogeneous nuclear ribonucleoprotein H2; plus strand), RPL36A (ribosomal protein L36a; plus strand), RPL36A-HNRNPH2 (RPL36A-HNRNPH2 readthrough; plus strand). Cytogenetic location: Xq22.1.
Variant type: Deletion.
Identifiers: ClinVar variation 3243715 (VCV003243715.1).